The following is an entry in ClinVar:

ClinVar aggregate classification (germline): Uncertain significance (1 of 4 stars; one submission).

Conditions:
Muscular dystrophy-dystroglycanopathy (congenital with brain and eye anomalies), type A14. Also called: WALKER-WARBURG SYNDROME OR MUSCLE-EYE-BRAIN DISEASE, GMPPB-RELATED; Congenital Muscular Dystrophy-Dystroglycanopathy with Brain and Eye Anomalies Type A 14; Congenital muscular dystrophy-dystroglycanopathy with brain and eye anomalies, type A14; Muscular dystrophy-dystroglycanopathy (congenital with brain and eye anomalies), type a, 14. Identifiers: Orphanet 588, MedGen C3809216, MONDO:0014140, OMIM 615350.
Muscular dystrophy-dystroglycanopathy (congenital with impaired intellectual development), type B, 14. Also called: Muscular dystrophy-dystroglycanopathy (congenital with intellectual disability), type B14; MUSCULAR DYSTROPHY, CONGENITAL, GMPPB-RELATED; Congenital muscular dystrophy-dystroglycanopathy with mental retardation, type B14. Identifiers: MedGen C3809221, MONDO:0014141, OMIM 615351.
Autosomal recessive limb-girdle muscular dystrophy type 2T. Also called: MUSCULAR DYSTROPHY-DYSTROGLYCANOPATHY, LIMB-GIRDLE, GMPPB-RELATED; Limb-girdle muscular dystrophy-dystroglycanopathy, type C14; MUSCULAR DYSTROPHY, LIMB-GIRDLE, TYPE 2T; Muscular dystrophy-dystroglycanopathy (limb-girdle), type c, 14. Identifiers: Orphanet 363623, MedGen C4518000, MONDO:0014142, OMIM 615352.

Allele frequency attached by ClinVar (database versions not stated): gnomAD exomes below 0.00001; gnomAD 0.00001; TOPMed 0.00002.
gnomAD v4.1: 4 of 1,613,624 alleles (0.00025%); highest among the groups gnomAD compares: African/African-American, 0.0027%; no homozygotes.

Submission:

Labcorp Genetics (formerly Invitae), Labcorp
Classification: Uncertain significance for Autosomal recessive limb-girdle muscular dystrophy type 2T; Muscular dystrophy-dystroglycanopathy (congenital with brain and eye anomalies), type A14; Muscular dystrophy-dystroglycanopathy (congenital with impaired intellectual development), type B, 14. Last evaluated: 2019-06-09. Review status: criteria provided, single submitter. Criteria: Invitae Variant Classification Sherloc (09022015). Collection method: clinical testing. Allele origin: germline.
Comment: In summary, the available evidence is currently insufficient to determine the role of this variant in disease. Therefore, it has been classified as a Variant of Uncertain Significance. Algorithms developed to predict the effect of missense changes on protein structure and function (SIFT, PolyPhen-2, Align-GVGD) all suggest that this variant is likely to be tolerated, but these predictions have not been confirmed by published functional studies and their clinical significance is uncertain. This variant has not been reported in the literature in individuals with GMPPB-related conditions. This variant is not present in population databases (ExAC no frequency). This sequence change replaces alanine with aspartic acid at codon 119 of the GMPPB protein (p.Ala119Asp). The alanine residue is weakly conserved and there is a moderate physicochemical difference between alanine and aspartic acid.

NM_021971.4(GMPPB):c.356C>A (p.Ala119Asp)

Gene: GMPPB (GDP-mannose pyrophosphorylase B; minus strand). Cytogenetic location: 3p21.31.
Variant type: single nucleotide variant.
Coding change: c.356C>A on transcript NM_021971.4 (MANE Select); coding-DNA position 356, C replaced by A.
Protein change: p.Ala119Asp; replaces alanine 119 with aspartic acid.
Molecular consequence: missense variant.
Genome position (GRCh38, 1-based): chr3:49,723,018, G>T on the plus strand (C>A on the coding strand, the complement: GMPPB is on the minus strand). VCF-style: chr3-49723018-G-T. GRCh37 (hg19) VCF-style: chr3-49760451-G-T.
Other names: c.356C>A, p.Ala119Asp (NM_013334.4); short protein forms A119D.
Identifiers: ClinVar variation 943108 (VCV000943108.7), dbSNP rs1272084445, ClinGen allele CA352829581.